The following is an entry in ClinVar:

ClinVar aggregate classification (germline): Pathogenic. Review status: criteria provided, single submitter (1 of 4 stars). 2 submissions from 2 submitters: Pathogenic (1). 1 of the submissions does not count toward it. Last evaluated 2025-12-10.

Conditions:
Osteopathia striata with cranial sclerosis (OSCS). Also called: HYPEROSTOSIS GENERALISATA WITH STRIATIONS. Identifiers: Orphanet 2780, MedGen C0432268, MONDO:0010310, OMIM 300373.

Submissions (2):

Labcorp Genetics (formerly Invitae), Labcorp
Classification: Pathogenic. Last evaluated: 2025-12-10. Review status: criteria provided, single submitter. Criteria: Invitae Variant Classification Sherloc (09022015). Collection method: clinical testing. Allele origin: germline.
Comment: This sequence change creates a premature translational stop signal (p.Pro261Thrfs*17) in the AMER1 gene. While this is not anticipated to result in nonsense mediated decay, it is expected to disrupt the last 875 amino acid(s) of the AMER1 protein. This variant is not present in population databases (gnomAD no frequency). This premature translational stop signal has been observed in individual(s) with osteopathia striata congenita with cranial sclerosis (PMID: 19079258). This variant is also known as 780insA P260fs+16X. ClinVar contains an entry for this variant (Variation ID: 10705). This variant disrupts a region of the AMER1 protein in which other variant(s) (p.Arg497*) have been determined to be pathogenic (internal data). This suggests that this is a clinically significant region of the protein, and that variants that disrupt it are likely to be disease-causing. For these reasons, this variant has been classified as Pathogenic.

OMIM
Classification: Pathogenic for OSTEOPATHIA STRIATA WITH CRANIAL SCLEROSIS. Last evaluated: 2009-01-01. Review status: no assertion criteria provided. Collection method: literature only. Allele origin: germline. Not counted in ClinVar's aggregate classification.

Literature cited by the submitters: PubMed 19079258 (cited by Labcorp Genetics (formerly Invitae), Labcorp and OMIM).

NM_152424.4(AMER1):c.780dup (p.Pro261fs)

Gene: AMER1 (APC membrane recruitment protein 1; minus strand). Cytogenetic location: Xq11.2.
Variant type: Duplication.
Coding change: c.780dup on transcript NM_152424.4 (MANE Select); coding-DNA position 780, one base duplicated (A; older notation c.780dupA).
Protein change: p.Pro261fs; shifts the reading frame from proline 261.
Molecular consequence: frameshift variant.
Genome position (GRCh38, 1-based): chrX:64,192,507, T duplicated on the plus strand (A on the coding strand, the reverse complement: AMER1 is on the minus strand); the first of 5 consecutive T bases (chrX:64,192,507-64,192,511); duplicating any one gives the same sequence. VCF-style (leftmost placement, unchanged base first): chrX-64192506-G-GT. GRCh37 (hg19) VCF-style: chrX-63412386-G-GT.
Other names: short protein forms P261fs.
Identifiers: ClinVar variation 10705 (VCV000010705.3), dbSNP rs1569192251, ClinGen allele CA645615009.